The following is an entry in ClinVar:

ClinVar aggregate classification (germline): Uncertain significance. Review status: criteria provided, multiple submitters, no conflicts (2 of 4 stars). 2 submissions from 2 submitters: Uncertain significance (2). Last evaluated 2025-06-18.

Allele frequency attached by ClinVar (database versions not stated): TOPMed below 0.00001; ExAC 0.00001; gnomAD 0.00001; gnomAD exomes 0.00001 and 0.00002.
gnomAD v4.1: 9 of 1,613,118 alleles (0.00056%); highest among the groups gnomAD compares: Admixed American, 0.013%; no homozygotes.

Submissions (2):

Ambry Genetics
Classification: Uncertain significance. Last evaluated: 2025-06-18. Review status: criteria provided, single submitter. Criteria: Ambry Variant Classification Scheme 2023. Collection method: clinical testing. Allele origin: germline.

Labcorp Genetics (formerly Invitae), Labcorp
Classification: Uncertain significance. Last evaluated: 2023-11-13. Review status: criteria provided, single submitter. Criteria: Invitae Variant Classification Sherloc (09022015). Collection method: clinical testing. Allele origin: germline.
Comment: This sequence change replaces isoleucine, which is neutral and non-polar, with phenylalanine, which is neutral and non-polar, at codon 74 of the CCT2 protein (p.Ile74Phe). This variant is present in population databases (rs763567991, gnomAD 0.01%). This variant has not been reported in the literature in individuals affected with CCT2-related conditions. ClinVar contains an entry for this variant (Variation ID: 1042190). An algorithm developed to predict the effect of missense changes on protein structure and function (PolyPhen-2) suggests that this variant is likely to be disruptive. In summary, the available evidence is currently insufficient to determine the role of this variant in disease. Therefore, it has been classified as a Variant of Uncertain Significance.

NM_006431.3(CCT2):c.220A>T (p.Ile74Phe)

Gene: CCT2 (chaperonin containing TCP1 subunit 2; plus strand). Cytogenetic location: 12q15.
Variant type: single nucleotide variant.
Coding change: c.220A>T on transcript NM_006431.3 (MANE Select); coding-DNA position 220, A replaced by T.
Protein change: p.Ile74Phe; replaces isoleucine 74 with phenylalanine.
Molecular consequence: missense variant.
Genome position (GRCh38, 1-based): chr12:69,587,580, A>T. VCF-style: chr12-69587580-A-T. GRCh37 (hg19) VCF-style: chr12-69981360-A-T.
Other names: c.79A>T, p.Ile27Phe (NM_001198842.2); c.220A>T (NM_006431.2); short protein forms I74F, I27F.
Identifiers: ClinVar variation 1042190 (VCV001042190.9), dbSNP rs763567991, ClinGen allele CA6680494.